The following is an entry in ClinVar:

ClinVar aggregate classification (germline): Likely benign (1 of 4 stars; one submission).

Allele frequency attached by ClinVar (database versions not stated): TOPMed 0.00096; gnomAD 0.00118.

Submission:

CeGaT Center for Human Genetics Tuebingen
Classification: Likely benign. Last evaluated: 2026-04-01. Review status: criteria provided, single submitter. Criteria: CeGaT Center For Human Genetics Tuebingen Variant Classification Criteria Version 2. Collection method: clinical testing. Allele origin: germline. Affected: yes. Observed: 3 variant alleles.
Comment: EPAS1: BS2

NM_001430.5(EPAS1):c.218-14_218-13insG

Gene: EPAS1 (endothelial PAS domain protein 1; plus strand). Cytogenetic location: 2p21.
Variant type: Insertion.
Coding change: c.218-14_218-13insG on transcript NM_001430.5 (MANE Select); 14 bases into the intron before coding-DNA position 218 through 13 bases into the intron before coding-DNA position 218, G inserted.
Molecular consequence: intron variant.
Genome position: GRCh38 VCF-style: chr2-46356137-C-CG. GRCh37 (hg19) VCF-style: chr2-46583276-C-CG.
Identifiers: ClinVar variation 336236 (VCV000336236.29), dbSNP rs781736017, ClinGen allele CA1644535.